The following is an entry in ClinVar:

NM_001370259.2(MEN1):c.356A>T (p.Lys119Met)

Gene: MEN1 (menin 1; minus strand). Cytogenetic location: 11q13.1.
Variant type: single nucleotide variant.
Coding change: c.356A>T on transcript NM_001370259.2 (MANE Select); coding-DNA position 356, A replaced by T.
Protein change: p.Lys119Met; replaces lysine 119 with methionine.
Molecular consequence: missense variant. On other transcripts: non-coding transcript variant (4).
Genome position (GRCh38, 1-based): chr11:64,809,754, T>A on the plus strand (A>T on the coding strand, the complement: MEN1 is on the minus strand). VCF-style: chr11-64809754-T-A. GRCh37 (hg19) VCF-style: chr11-64577226-T-A.
Other names: c.356A>T, p.Lys119Met (NM_000244.4, NM_001370251.2, NM_001370260.2 and 20 more transcripts); short protein forms K119M.
Identifiers: ClinVar variation 3634213 (VCV003634213.2).

ClinVar aggregate classification (germline): Likely pathogenic (1 of 4 stars; one submission).

Conditions:
Multiple endocrine neoplasia, type 1 (MEN1). Also called: MEN I; WERMER SYNDROME; Endocrine adenomatosis multiple; MEN 1; MEA I. Identifiers: Orphanet 652, MedGen C0025267, MeSH D018761, MONDO:0007540, OMIM 131100.

gnomAD v4.1: 1 of 1,614,166 alleles (0.000062%); highest among the groups gnomAD compares: Non-Finnish European, 0.000085%; no homozygotes.

Submission:

Labcorp Genetics (formerly Invitae), Labcorp
Classification: Likely pathogenic for Multiple endocrine neoplasia, type 1. Last evaluated: 2024-04-26. Review status: criteria provided, single submitter. Criteria: Invitae Variant Classification Sherloc (09022015). Collection method: clinical testing. Allele origin: germline.
Comment: This sequence change replaces lysine, which is basic and polar, with methionine, which is neutral and non-polar, at codon 119 of the MEN1 protein (p.Lys119Met). This variant is not present in population databases (gnomAD no frequency). This missense change has been observed in individual(s) with multiple endocrine neoplasia type 1 (PMID: 11435815). This variant is also known as 2643A>T. Advanced modeling of protein sequence and biophysical properties (such as structural, functional, and spatial information, amino acid conservation, physicochemical variation, residue mobility, and thermodynamic stability) performed at Invitae indicates that this missense variant is expected to disrupt MEN1 protein function with a positive predictive value of 95%. In summary, the currently available evidence indicates that the variant is pathogenic, but additional data are needed to prove that conclusively. Therefore, this variant has been classified as Likely Pathogenic.

Literature cited by the submitters: PubMed 11435815.